The following is an entry in ClinVar:

NM_178857.6(RP1L1):c.4629A>G (p.Ala1543=)

Gene: RP1L1 (RP1 like 1). Cytogenetic location: 8p23.1.
Variant type: single nucleotide variant.
Coding change: c.4629A>G on transcript NM_178857.6 (MANE Select); coding-DNA position 4629, A replaced by G.
Protein change: p.Ala1543=; no amino-acid change (alanine 1543 retained).
Molecular consequence: synonymous variant.
Genome position (GRCh38, 1-based): chr8:10,609,469, T>C on the plus strand (A>G on the coding strand, the complement: RP1L1 is on the minus strand). VCF-style: chr8-10609469-T-C. GRCh37 (hg19) VCF-style: chr8-10466979-T-C.
Identifiers: ClinVar variation 3905400 (VCV003905400.11).
Genomic context (GRCh38, chr8:10,609,469, plus strand): 5'-GTCCTGCTGCAGCTCGGCCGCCATCTGGTCCAGCAGATCATTGTCCTGCAGGCCCCAGCG[T>C]GCTCGGAGCTCAGCCACCGCACTGGCAAGGTGGGCCAGGAAGGCCTTCTCCGTCTTCTTC-3'
Protein context (NP_849188.4, residues 1533-1553): HLASAVAELR[Ala1543=]RWGLQDNDLL

ClinVar aggregate classification (germline): Likely benign. Review status: criteria provided, multiple submitters, no conflicts (2 of 4 stars). 2 submissions from 2 submitters: Likely benign (2). Last evaluated 2025-06-01.

gnomAD v4.1: 51 of 1,612,084 alleles (0.0032%); highest among the groups gnomAD compares: South Asian, 0.049%; no homozygotes.

Submissions (2):

CeGaT Center for Human Genetics Tuebingen
Classification: Likely benign. Last evaluated: 2025-06-01. Review status: criteria provided, single submitter. Criteria: CeGaT Center For Human Genetics Tuebingen Variant Classification Criteria Version 2. Collection method: clinical testing. Allele origin: germline. Affected: yes. Observed: 1 variant allele.
Comment: RP1L1: BP4, BP7

Blueprint Genetics
Classification: Likely benign. Last evaluated: 2021-08-26. Review status: criteria provided, single submitter. Criteria: ACMG Guidelines, 2015. Collection method: clinical testing. Allele origin: germline.